The following is an entry in ClinVar:

NM_000392.5(ABCC2):c.2471T>C (p.Phe824Ser)

Gene: ABCC2 (ATP binding cassette subfamily C member 2; plus strand). Cytogenetic location: 10q24.2.
Variant type: single nucleotide variant.
Coding change: c.2471T>C on transcript NM_000392.5 (MANE Select); coding-DNA position 2471, T replaced by C.
Protein change: p.Phe824Ser; replaces phenylalanine 824 with serine.
Molecular consequence: missense variant.
Genome position (GRCh38, 1-based): chr10:99,819,120, T>C. VCF-style: chr10-99819120-T-C. GRCh37 (hg19) VCF-style: chr10-101578877-T-C.
Other names: short protein forms F824S.
Identifiers: ClinVar variation 2636610 (VCV002636610.2), dbSNP rs1375321156, ClinGen allele CA378118207.

ClinVar aggregate classification (germline): Uncertain significance (1 of 4 stars; one submission).

Conditions:
ABCC2-related disorder. Also called: ABCC2-related condition.

Allele frequency attached by ClinVar (database versions not stated): gnomAD exomes 0.00001; TOPMed 0.00001.
gnomAD v4.1: 8 of 1,614,200 alleles (0.0005%); highest among the groups gnomAD compares: Admixed American, 0.013%; no homozygotes.

Submission:

PreventionGenetics, part of Exact Sciences
Classification: Uncertain significance for ABCC2-related condition. Last evaluated: 2026-03-15. Review status: criteria provided, single submitter. Criteria: ACMG Guidelines, 2015. Collection method: clinical testing. Allele origin: germline.
Comment: The ABCC2 c.2471T>C variant is predicted to result in the amino acid substitution p.Phe824Ser. To our knowledge, this variant has not been reported in the literature. This variant is reported in 0.017% of alleles in individuals of Latino descent in gnomAD. At this time, the clinical significance of this variant is uncertain due to the absence of conclusive functional and genetic evidence.